The following is an entry in ClinVar:

NM_003896.4(ST3GAL5):c.415G>T (p.Val139Leu)

Gene: ST3GAL5 (ST3 beta-galactoside alpha-2,3-sialyltransferase 5; minus strand). Cytogenetic location: 2p11.2.
Variant type: single nucleotide variant.
Coding change: c.415G>T on transcript NM_003896.4 (MANE Select); coding-DNA position 415, G replaced by T.
Protein change: p.Val139Leu; replaces valine 139 with leucine.
Molecular consequence: missense variant. On other transcripts: 5 prime UTR variant (1).
Genome position (GRCh38, 1-based): chr2:85,848,108, C>A on the plus strand (G>T on the coding strand, the complement: ST3GAL5 is on the minus strand). VCF-style: chr2-85848108-C-A. GRCh37 (hg19) VCF-style: chr2-86075231-C-A.
Other names: c.346G>T, p.Val116Leu (NM_001042437.2); c.31G>T, p.Val11Leu (NM_001354223.2, NM_001354224.2, NM_001354226.2 and 3 more transcripts); c.331G>T, p.Val111Leu (NM_001354227.2, NM_001354229.2, NM_001354238.1); c.-490G>T (NM_001354247.1); c.415G>T, p.Val139Leu (NM_001363847.1); short protein forms V139L, V111L, V116L, V11L.
Identifiers: ClinVar variation 337337 (VCV000337337.10), dbSNP rs377046345, ClinGen allele CA1745042.

ClinVar aggregate classification (germline): Uncertain significance. Review status: criteria provided, multiple submitters, no conflicts (2 of 4 stars). 2 submissions from 2 submitters: Uncertain significance (2). Last evaluated 2022-10-25.

Conditions:
GM3 synthase deficiency (SPDRS). Also called: SALT AND PEPPER DEVELOPMENTAL REGRESSION SYNDROME; AMISH INFANTILE EPILEPSY SYNDROME; SALT AND PEPPER MENTAL RETARDATION SYNDROME. Identifiers: Orphanet 171714, Orphanet 370933, MedGen C1836824, MONDO:0018274, OMIM 609056.

Allele frequency attached by ClinVar (database versions not stated): ESP Exome Variant Server 0.00008; TOPMed 0.00008.
gnomAD v4.1: 57 of 1,614,088 alleles (0.0035%); highest among the groups gnomAD compares: Non-Finnish European, 0.0043%; no homozygotes.

Submissions (2):

Labcorp Genetics (formerly Invitae), Labcorp
Classification: Uncertain significance for GM3 synthase deficiency. Last evaluated: 2022-10-25. Review status: criteria provided, single submitter. Criteria: Invitae Variant Classification Sherloc (09022015). Collection method: clinical testing. Allele origin: germline.
Comment: This sequence change replaces valine, which is neutral and non-polar, with leucine, which is neutral and non-polar, at codon 139 of the ST3GAL5 protein (p.Val139Leu). This variant is present in population databases (rs377046345, gnomAD 0.01%). This variant has not been reported in the literature in individuals affected with ST3GAL5-related conditions. ClinVar contains an entry for this variant (Variation ID: 337337). Advanced modeling of protein sequence and biophysical properties (such as structural, functional, and spatial information, amino acid conservation, physicochemical variation, residue mobility, and thermodynamic stability) performed at Invitae indicates that this missense variant is not expected to disrupt ST3GAL5 protein function. In summary, the available evidence is currently insufficient to determine the role of this variant in disease. Therefore, it has been classified as a Variant of Uncertain Significance.

Illumina Laboratory Services, Illumina
Classification: Uncertain significance for GM3 synthase deficiency. Last evaluated: 2018-01-12. Review status: criteria provided, single submitter. Criteria: ICSL Variant Classification Criteria 13 December 2019. Collection method: clinical testing. Allele origin: germline.